The following is an entry in ClinVar:

NM_005984.5(SLC25A1):c.338G>A (p.Arg113Gln)

Gene: SLC25A1 (solute carrier family 25 member 1; minus strand). Cytogenetic location: 22q11.21.
Variant type: single nucleotide variant.
Coding change: c.338G>A on transcript NM_005984.5 (MANE Select); coding-DNA position 338, G replaced by A.
Protein change: p.Arg113Gln; replaces arginine 113 with glutamine.
Molecular consequence: missense variant.
Genome position (GRCh38, 1-based): chr22:19,177,830, C>T on the plus strand (G>A on the coding strand, the complement: SLC25A1 is on the minus strand). VCF-style: chr22-19177830-C-T. GRCh37 (hg19) VCF-style: chr22-19165343-C-T.
Other names: c.359G>A, p.Arg120Gln (NM_001256534.2); c.29G>A, p.Arg10Gln (NM_001287387.2); short protein forms R120Q, R10Q, R113Q.
Identifiers: ClinVar variation 1487573 (VCV001487573.5), dbSNP rs781912119, ClinGen allele CA10097472.

ClinVar aggregate classification (germline): Uncertain significance (1 of 4 stars; one submission).

Allele frequency attached by ClinVar (database versions not stated): gnomAD 0.00001; gnomAD exomes 0.00002 and 0.00005; ExAC 0.00005.
gnomAD v4.1: 14 of 1,610,424 alleles (0.00087%); highest among the groups gnomAD compares: Admixed American, 0.02%; no homozygotes.

Submission:

Labcorp Genetics (formerly Invitae), Labcorp
Classification: Uncertain significance. Last evaluated: 2024-11-18. Review status: criteria provided, single submitter. Criteria: Invitae Variant Classification Sherloc (09022015). Collection method: clinical testing. Allele origin: germline.
Comment: This sequence change replaces arginine, which is basic and polar, with glutamine, which is neutral and polar, at codon 113 of the SLC25A1 protein (p.Arg113Gln). This variant is present in population databases (rs781912119, gnomAD 0.03%). This variant has not been reported in the literature in individuals affected with SLC25A1-related conditions. ClinVar contains an entry for this variant (Variation ID: 1487573). Invitae Evidence Modeling of protein sequence and biophysical properties (such as structural, functional, and spatial information, amino acid conservation, physicochemical variation, residue mobility, and thermodynamic stability) indicates that this missense variant is not expected to disrupt SLC25A1 protein function with a negative predictive value of 80%. In summary, the available evidence is currently insufficient to determine the role of this variant in disease. Therefore, it has been classified as a Variant of Uncertain Significance.